The following is an entry in ClinVar:

NM_001298.3(CNGA3):c.674-10T>G

Gene: CNGA3 (cyclic nucleotide gated channel subunit alpha 3; plus strand). Cytogenetic location: 2q11.2.
Variant type: single nucleotide variant.
Coding change: c.674-10T>G on transcript NM_001298.3 (MANE Select); 10 bases into the intron before coding-DNA position 674, T replaced by G.
Molecular consequence: intron variant.
Genome position (GRCh38, 1-based): chr2:98,395,834, T>G. VCF-style: chr2-98395834-T-G. GRCh37 (hg19) VCF-style: chr2-99012297-T-G.
Other names: c.620-10T>G (NM_001079878.2).
Identifiers: ClinVar variation 4985667 (VCV004985667.1).
Genomic context (GRCh38, chr2:98,395,834, plus strand): 5'-TGTTTCTTTGTACTATGGTCAAAAAAAGTCAGCCTCTGTGATGCCCAATGACCTCCATCT[T>G]CTTCTTTAGGTTTTCTCGAGCAAGGCTTAATGGTCAGTGATACCAACAGGCTGTGGCAGC-3'

ClinVar aggregate classification (germline): Likely benign (1 of 4 stars; one submission).

Conditions:
CNGA3-related disorder. Also called: CNGA3-related condition.

Submission:

PreventionGenetics, part of Exact Sciences
Classification: Likely benign for CNGA3-related condition. Last evaluated: 2025-08-03. Review status: criteria provided, single submitter. Criteria: ACMG Guidelines, 2015. Collection method: clinical testing. Allele origin: germline.
Comment: This variant is classified as likely benign based on ACMG/AMP sequence variant interpretation guidelines (Richards et al. 2015 PMID: 25741868, with internal and published modifications).